The following is an entry in ClinVar:

ClinVar aggregate classification (germline): Uncertain significance. Review status: criteria provided, multiple submitters, no conflicts (2 of 4 stars). 4 submissions from 4 submitters: Uncertain significance (4). Last evaluated 2025-06-12.

Conditions:
Inborn genetic diseases. Identifiers: MedGen C0950123, MeSH D030342.
Stickler syndrome. Identifiers: Orphanet 828, MedGen C0265253, MONDO:0019354.

Allele frequency attached by ClinVar (database versions not stated): gnomAD exomes 0.00003 and 0.00006; TOPMed 0.00004; gnomAD 0.00002 and 0.00003; ExAC 0.00002.
gnomAD v4.1: 90 of 1,613,920 alleles (0.0056%); highest among the groups gnomAD compares: South Asian, 0.0077%; no homozygotes.

Submissions (4):

Ambry Genetics
Classification: Uncertain significance for Inborn genetic diseases. Last evaluated: 2025-06-12. Review status: criteria provided, single submitter. Criteria: Ambry Variant Classification Scheme 2023. Collection method: clinical testing. Allele origin: germline.

GeneDx
Classification: Uncertain significance. Last evaluated: 2024-06-13. Review status: criteria provided, single submitter. Criteria: GeneDx Variant Classification Process June 2021. Collection method: clinical testing. Allele origin: germline. Affected: yes.
Comment: Has not been previously published as pathogenic or benign to our knowledge; Not observed at significant frequency in large population cohorts (gnomAD); In silico analysis supports that this missense variant has a deleterious effect on protein structure/function

Labcorp Genetics (formerly Invitae), Labcorp
Classification: Uncertain significance. Last evaluated: 2022-10-08. Review status: criteria provided, single submitter. Criteria: Invitae Variant Classification Sherloc (09022015). Collection method: clinical testing. Allele origin: germline.
Comment: This sequence change replaces proline, which is neutral and non-polar, with leucine, which is neutral and non-polar, at codon 753 of the COL9A1 protein (p.Pro753Leu). This variant is present in population databases (rs763616322, gnomAD 0.01%). This variant has not been reported in the literature in individuals affected with COL9A1-related conditions. ClinVar contains an entry for this variant (Variation ID: 1321049). Algorithms developed to predict the effect of missense changes on protein structure and function (SIFT, PolyPhen-2, Align-GVGD) all suggest that this variant is likely to be disruptive. In summary, the available evidence is currently insufficient to determine the role of this variant in disease. Therefore, it has been classified as a Variant of Uncertain Significance.

Department of Pathology and Laboratory Medicine, Sinai Health System
Classification: Uncertain significance for Stickler syndrome. Last evaluated: 2021-07-30. Review status: criteria provided, single submitter. Criteria: ACMG Guidelines, 2015. Collection method: research. Allele origin: germline.

NM_001851.6(COL9A1):c.2258C>T (p.Pro753Leu)

Gene: COL9A1 (collagen type IX alpha 1 chain; minus strand). Cytogenetic location: 6q13.
Variant type: single nucleotide variant.
Coding change: c.2258C>T on transcript NM_001851.6 (MANE Select); coding-DNA position 2258, C replaced by T.
Protein change: p.Pro753Leu; replaces proline 753 with leucine.
Molecular consequence: missense variant. On other transcripts: non-coding transcript variant (1), intron variant (1).
Genome position (GRCh38, 1-based): chr6:70,234,795, G>A on the plus strand (C>T on the coding strand, the complement: COL9A1 is on the minus strand). VCF-style: chr6-70234795-G-A. GRCh37 (hg19) VCF-style: chr6-70944498-G-A.
Other names: c.1559C>T, p.Pro520Leu (NM_001377289.1); c.1529C>T, p.Pro510Leu (NM_078485.4); c.1384-202C>T (NM_001377290.1); short protein forms P510L, P520L, P753L.
Identifiers: ClinVar variation 1321049 (VCV001321049.9), dbSNP rs763616322, ClinGen allele CA3881823.